The following is an entry in ClinVar:

NM_001195305.3(BBIP1):c.38G>A (p.Gly13Glu)

Gene: BBIP1 (BBSome interacting protein 1; minus strand). Cytogenetic location: 10q25.2.
Variant type: single nucleotide variant.
Coding change: c.38G>A on transcript NM_001195305.3 (MANE Select); coding-DNA position 38, G replaced by A.
Protein change: p.Gly13Glu; replaces glycine 13 with glutamic acid.
Molecular consequence: missense variant. On other transcripts: synonymous variant (1), 5 prime UTR variant (1), intron variant (1).
Genome position (GRCh38, 1-based): chr10:110,901,612, C>T on the plus strand (G>A on the coding strand, the complement: BBIP1 is on the minus strand). VCF-style: chr10-110901612-C-T. GRCh37 (hg19) VCF-style: chr10-112661370-C-T.
Other names: c.195G>A, p.Arg65= (NM_001195304.2); c.38G>A, p.Gly13Glu (NM_001195306.2); c.-29G>A (NM_001243783.3); c.38-1086G>A (NM_001195307.2); short protein forms G13E.
Identifiers: ClinVar variation 4990828 (VCV004990828.1).

ClinVar aggregate classification (germline): Uncertain significance (1 of 4 stars; one submission).

Conditions:
BBIP1-related disorder. Also called: BBIP1-related condition.

gnomAD v4.1: 1 of 1,531,024 alleles (0.000065%); highest among the groups gnomAD compares: Non-Finnish European, 0.000088%; no homozygotes.

Submission:

PreventionGenetics, part of Exact Sciences
Classification: Uncertain significance for BBIP1-related condition. Last evaluated: 2025-10-31. Review status: criteria provided, single submitter. Criteria: ACMG Guidelines, 2015. Collection method: clinical testing. Allele origin: germline.
Comment: The BBIP1 c.38G>A variant is predicted to result in the amino acid substitution p.Gly13Glu. To our knowledge, this variant has not been reported in the literature or in a large population database (gnomAD), indicating this variant is rare. At this time, the clinical significance of this variant is uncertain due to the absence of conclusive functional and genetic evidence.